The following is an entry in ClinVar:

NM_001144869.3(LIPT2):c.72C>T (p.Asp24=)

Genes: LIPT2-AS1 (LIPT2 antisense RNA 1; plus strand), LIPT2 (lipoyl(octanoyl) transferase 2; minus strand). Cytogenetic location: 11q13.4.
Variant type: single nucleotide variant.
Coding change: c.72C>T on transcript NM_001144869.3 (MANE Select); coding-DNA position 72, C replaced by T.
Protein change: p.Asp24=; no amino-acid change (aspartic acid 24 retained).
Molecular consequence: synonymous variant. On other transcripts: non-coding transcript variant (1).
Genome position (GRCh38, 1-based): chr11:74,493,632, G>A on the plus strand (C>T on the coding strand, the complement: LIPT2 is on the minus strand). VCF-style: chr11-74493632-G-A. GRCh37 (hg19) VCF-style: chr11-74204677-G-A.
Other names: c.72C>T, p.Asp24= (NM_001329942.2, NM_001329941.2); c.72C>T (NM_001144869.2).
Identifiers: ClinVar variation 2078819 (VCV002078819.6), dbSNP rs888721791, ClinGen allele CA224979332.

ClinVar aggregate classification (germline): Likely benign. Review status: criteria provided, single submitter (1 of 4 stars). 2 submissions from 2 submitters: Likely benign (1). 1 of the submissions does not count toward it. Last evaluated 2025-04-09.

Conditions:
LIPT2-related disorder. Also called: LIPT2-related condition.

Allele frequency attached by ClinVar (database versions not stated): gnomAD 0.00004; TOPMed 0.00007; 1000 Genomes Project 30x 0.00031.
gnomAD v4.1: 21 of 1,459,588 alleles (0.0014%); highest among the groups gnomAD compares: Admixed American, 0.046%; no homozygotes.

Submissions (2):

Labcorp Genetics (formerly Invitae), Labcorp
Classification: Likely benign. Last evaluated: 2025-04-09. Review status: criteria provided, single submitter. Criteria: Invitae Variant Classification Sherloc (09022015). Collection method: clinical testing. Allele origin: germline.

PreventionGenetics, part of Exact Sciences
Classification: Likely benign for LIPT2-related condition. Last evaluated: 2019-08-12. Review status: no assertion criteria provided. Collection method: clinical testing. Allele origin: germline. Not counted in ClinVar's aggregate classification.
Comment: This variant is classified as likely benign based on ACMG/AMP sequence variant interpretation guidelines (Richards et al. 2015 PMID: 25741868, with internal and published modifications).